The following is an entry in ClinVar:

NM_019892.6(INPP5E):c.1629C>G (p.Tyr543Ter)

Gene: INPP5E (inositol polyphosphate-5-phosphatase E; minus strand). Cytogenetic location: 9q34.3.
Variant type: single nucleotide variant.
Coding change: c.1629C>G on transcript NM_019892.6 (MANE Select); coding-DNA position 1629, C replaced by G.
Protein change: p.Tyr543Ter; replaces tyrosine 543 with a stop codon.
Molecular consequence: nonsense.
Genome position (GRCh38, 1-based): chr9:136,431,038, G>C on the plus strand (C>G on the coding strand, the complement: INPP5E is on the minus strand). VCF-style: chr9-136431038-G-C. GRCh37 (hg19) VCF-style: chr9-139325490-G-C.
Other names: c.1629C>G (NM_019892.5); c.1626C>G, p.Tyr542Ter (NM_001318502.2); short protein forms Y542*, Y543*.
Identifiers: ClinVar variation 1069370 (VCV001069370.11), dbSNP rs753398503, ClinGen allele CA5336711.
Genomic context (GRCh38, chr9:136,431,038, plus strand): 5'-ACCGCAGCGGTGGGCAGGCCTCACCGTGTATGAGGGCGTCCTCTGCTTGGAGGTGCTGTC[G>C]TACGTGTCCTTCCCGATGTCAAACTTGTATGATGGGAGGAAGTGGATGTCCGGCTCCTGG-3'

ClinVar aggregate classification (germline): Pathogenic. Review status: criteria provided, multiple submitters, no conflicts (2 of 4 stars). 3 submissions from 3 submitters: Pathogenic (3). Last evaluated 2025-01-23.

Conditions:
INPP5E-related disorder. Also called: INPP5E-related condition.
Joubert syndrome. Also called: JOUBERT-BOLTSHAUSER SYNDROME; Familial aplasia of the vermis. Identifiers: Orphanet 475, MedGen C5979921, MONDO:0018772.

Allele frequency attached by ClinVar (database versions not stated): gnomAD 0.00001.
gnomAD v4.1: 4 of 1,613,038 alleles (0.00025%); highest among the groups gnomAD compares: African/African-American, 0.0013%; no homozygotes.

Submissions (3):

Labcorp Genetics (formerly Invitae), Labcorp
Classification: Pathogenic for Joubert syndrome. Last evaluated: 2025-01-23. Review status: criteria provided, single submitter. Criteria: Invitae Variant Classification Sherloc (09022015). Collection method: clinical testing. Allele origin: germline.
Comment: This sequence change creates a premature translational stop signal (p.Tyr543*) in the INPP5E gene. It is expected to result in an absent or disrupted protein product. Loss-of-function variants in INPP5E are known to be pathogenic (PMID: 19668216, 23034536, 23386033, 28125082). This variant is present in population databases (rs753398503, gnomAD 0.005%). This premature translational stop signal has been observed in individual(s) with Joubert syndrome spectrum disorders, and inherited retinal disease (PMID: 23386033, 29555955). ClinVar contains an entry for this variant (Variation ID: 1069370). For these reasons, this variant has been classified as Pathogenic.

PreventionGenetics, part of Exact Sciences
Classification: Pathogenic for INPP5E-related condition. Last evaluated: 2022-08-29. Review status: criteria provided, single submitter. Criteria: ACMG Guidelines, 2015. Collection method: clinical testing. Allele origin: germline.
Comment: The INPP5E c.1629C>G variant is predicted to result in premature protein termination (p.Tyr543*). This variant has been reported in the homozygous and compound heterozygous states in individuals with INPP5E related disorders (Travaglini et al 2013. PubMed ID: 23386033; Birtel J et al 2018. PubMed ID: 29555955). This variant is reported in 0.0050% of alleles in individuals of East Asian descent in gnomAD. Nonsense variants in INPP5E are expected to be pathogenic. This variant is interpreted as likely pathogenic.

Blueprint Genetics
Classification: Pathogenic for INPP5E-related disorders. Last evaluated: 2019-12-18. Review status: criteria provided, single submitter. Criteria: ACMG Guidelines, 2015. Collection method: clinical testing. Allele origin: germline. Affected: yes. Observed: 1 variant allele.

Literature cited by the submitters: PubMed 19668216 (cited by Labcorp Genetics (formerly Invitae), Labcorp); PubMed 23034536 (cited by Labcorp Genetics (formerly Invitae), Labcorp); PubMed 23386033 (cited by Labcorp Genetics (formerly Invitae), Labcorp); PubMed 28125082 (cited by Labcorp Genetics (formerly Invitae), Labcorp); PubMed 29555955 (cited by Labcorp Genetics (formerly Invitae), Labcorp).